The following is an entry in ClinVar:

ClinVar aggregate classification (germline): Uncertain significance. Review status: criteria provided, multiple submitters, no conflicts (2 of 4 stars). 3 submissions from 3 submitters: Uncertain significance (3). Last evaluated 2023-12-05.

Conditions:
Familial adenomatous polyposis 1 (FAP1). Also called: FAMILIAL ADENOMATOUS POLYPOSIS 1, ATTENUATED; POLYPOSIS, ADENOMATOUS INTESTINAL. Identifiers: MedGen C2713442, MONDO:0021056, OMIM 175100. Disease mechanism: loss of function.
Hereditary cancer-predisposing syndrome. Also called: Neoplastic Syndromes, Hereditary; Tumor predisposition; Hereditary neoplastic syndrome; Hereditary Cancer Syndrome. Identifiers: Orphanet 140162, MedGen C0027672, MeSH D009386, MONDO:0015356.

Allele frequency attached by ClinVar (database versions not stated): gnomAD exomes below 0.00001.
gnomAD v4.1: 1 of 1,613,568 alleles (0.000062%); highest among the groups gnomAD compares: East Asian, 0.0022%; no homozygotes.

Submissions (3):

Color Diagnostics, LLC DBA Color Health
Classification: Uncertain significance for Hereditary cancer-predisposing syndrome. Last evaluated: 2023-12-05. Review status: criteria provided, single submitter. Criteria: ACMG Guidelines, 2015. Collection method: clinical testing. Allele origin: germline.
Comment: This missense variant replaces arginine with threonine at codon 2371 of the APC protein. Computational prediction is inconclusive regarding the impact of this variant on protein structure and function (internally defined REVEL score threshold 0.5 < inconclusive < 0.7, PMID: 27666373). To our knowledge, functional studies have not been reported for this variant. This variant has not been reported in individuals affected with APC-related disorders in the literature. This variant has been identified in 1/249834 chromosomes in the general population by the Genome Aggregation Database (gnomAD). The available evidence is insufficient to determine the role of this variant in disease conclusively. Therefore, this variant is classified as a Variant of Uncertain Significance.

Ambry Genetics
Classification: Uncertain significance for Hereditary cancer-predisposing syndrome. Last evaluated: 2022-08-07. Review status: criteria provided, single submitter. Criteria: Ambry Variant Classification Scheme 2023. Collection method: clinical testing. Allele origin: germline.
Comment: The p.R2371T variant (also known as c.7112G>C), located in coding exon 15 of the APC gene, results from a G to C substitution at nucleotide position 7112. The arginine at codon 2371 is replaced by threonine, an amino acid with similar properties. This amino acid position is conserved. In addition, in silico predictors for this gene do not accurately predict pathogenicity. Since supporting evidence is limited at this time, the clinical significance of this alteration remains unclear.

Labcorp Genetics (formerly Invitae), Labcorp
Classification: Uncertain significance for Familial adenomatous polyposis 1. Last evaluated: 2022-05-27. Review status: criteria provided, single submitter. Criteria: Invitae Variant Classification Sherloc (09022015). Collection method: clinical testing. Allele origin: germline.
Comment: This sequence change replaces arginine, which is basic and polar, with threonine, which is neutral and polar, at codon 2371 of the APC protein (p.Arg2371Thr). This variant is present in population databases (no rsID available, gnomAD 0.006%). This variant has not been reported in the literature in individuals affected with APC-related conditions. ClinVar contains an entry for this variant (Variation ID: 837333). Algorithms developed to predict the effect of missense changes on protein structure and function are either unavailable or do not agree on the potential impact of this missense change (SIFT: "Tolerated"; PolyPhen-2: "Probably Damaging"; Align-GVGD: "Class C0"). In summary, the available evidence is currently insufficient to determine the role of this variant in disease. Therefore, it has been classified as a Variant of Uncertain Significance.

NM_000038.6(APC):c.7112G>C (p.Arg2371Thr)

Gene: APC (APC regulator of Wnt signaling pathway; plus strand). Cytogenetic location: 5q22.2.
Variant type: single nucleotide variant.
Coding change: c.7112G>C on transcript NM_000038.6 (MANE Select); coding-DNA position 7112, G replaced by C.
Protein change: p.Arg2371Thr; replaces arginine 2371 with threonine.
Molecular consequence: missense variant.
Genome position (GRCh38, 1-based): chr5:112,842,706, G>C. VCF-style: chr5-112842706-G-C. GRCh37 (hg19) VCF-style: chr5-112178403-G-C.
Other names: c.7112G>C, p.Arg2371Thr (NM_001127510.3, NM_001354895.2); c.7058G>C, p.Arg2353Thr (NM_001127511.3); c.7166G>C, p.Arg2389Thr (NM_001354896.2); c.7142G>C, p.Arg2381Thr (NM_001354897.2); c.7037G>C, p.Arg2346Thr (NM_001354898.2); c.7028G>C, p.Arg2343Thr (NM_001354899.2); c.6989G>C, p.Arg2330Thr (NM_001354900.2); c.6935G>C, p.Arg2312Thr (NM_001354901.2); and 5 more; short protein forms R2312T, R2330T, R2381T, R2088T, R2211T, R2245T, R2270T, R2280T.
Identifiers: ClinVar variation 837333 (VCV000837333.14), dbSNP rs1161972648, ClinGen allele CA16036817.
Genomic context (GRCh38, chr5:112,842,706, plus strand): 5'-CTAGTACTGCTTCAACTAAGTCCTCAGGTTCTGGAAAAATGTCATATACATCTCCAGGTA[G>C]ACAGATGAGCCAACAGAACCTTACCAAACAAACAGGTTTATCCAAGAATGCCAGTAGTAT-3'
Protein context (NP_000029.2, residues 2361-2381): SGKMSYTSPG[Arg2371Thr]QMSQQNLTKQ